The following is an entry in ClinVar:

ClinVar aggregate classification (germline): Conflicting classifications of pathogenicity. Review status: criteria provided, conflicting classifications (1 of 4 stars). 2 submissions from 2 submitters: Uncertain significance (1); Likely benign (1). Last evaluated 2026-01-05.

Conditions:
Hereditary nonpolyposis colorectal neoplasms. Identifiers: MedGen C0009405, MeSH D003123.
Lynch syndrome. Identifiers: Orphanet 144, MedGen C4552100, MONDO:0005835. Disease mechanism: loss of function.

Submissions (2):

Labcorp Genetics (formerly Invitae), Labcorp
Classification: Likely benign for Hereditary nonpolyposis colorectal neoplasms. Last evaluated: 2026-01-05. Review status: criteria provided, single submitter. Criteria: Invitae Variant Classification Sherloc (09022015). Collection method: clinical testing. Allele origin: germline.

All of Us Research Program, National Institutes of Health
Classification: Uncertain significance for Lynch syndrome. Last evaluated: 2023-11-02. Review status: criteria provided, single submitter. Criteria: ACMG Guidelines, 2015. Collection method: clinical testing. Allele origin: germline. Inheritance: Autosomal dominant inheritance. Observed: 1 variant allele, 1 heterozygote.
Comment: This variant causes a T to G nucleotide substitution at the +4 position of intron 8 of the MSH6 gene. To our knowledge, functional studies have not been reported for this variant. This variant has not been reported in individuals affected with MSH6-related disorders in the literature. This variant has not been identified in the general population by the Genome Aggregation Database (gnomAD). The available evidence is insufficient to determine the role of this variant in disease conclusively. Therefore, this variant is classified as a Variant of Uncertain Significance.

This study involves interpretation of variants in research participants for the purpose of population health screening. Participant phenotype was not available at the time of variant classification. Additional details can be found in publication PMID: 35346344, PMCID: PMC8962531

NM_000179.3(MSH6):c.3801+4T>G

Gene: MSH6 (mutS homolog 6; plus strand). Cytogenetic location: 2p16.3.
Variant type: single nucleotide variant.
Coding change: c.3801+4T>G on transcript NM_000179.3 (MANE Select); 4 bases into the intron after coding-DNA position 3801, T replaced by G.
Molecular consequence: intron variant.
Genome position (GRCh38, 1-based): chr2:47,806,362, T>G. VCF-style: chr2-47806362-T-G. GRCh37 (hg19) VCF-style: chr2-48033501-T-G.
Other names: c.2895+4T>G (NM_001281493.2, NM_001281494.2); c.3411+4T>G (NM_001281492.2).
Identifiers: ClinVar variation 2155376 (VCV002155376.5), dbSNP rs758830540, ClinGen allele CA2580067355.